The following is an entry in ClinVar:

ClinVar aggregate classification (germline): Benign. Review status: criteria provided, multiple submitters, no conflicts (2 of 4 stars). 3 submissions from 3 submitters: Benign (2). 1 of the submissions does not count toward it. Last evaluated 2026-02-03.

Conditions:
FGFRL1-related disorder. Also called: FGFRL1-related condition.

Allele frequency attached by ClinVar (database versions not stated): 1000 Genomes Project 30x 0.51046; ExAC 0.51697; gnomAD 0.52564 and 0.53503; ESP Exome Variant Server 0.59973; gnomAD exomes 0.46733 and 0.46120; 1000 Genomes Project 0.50938; TOPMed 0.53725.

Submissions (3):

Labcorp Genetics (formerly Invitae), Labcorp
Classification: Benign. Last evaluated: 2026-02-03. Review status: criteria provided, single submitter. Criteria: Invitae Variant Classification Sherloc (09022015). Collection method: clinical testing. Allele origin: germline.

Breakthrough Genomics
Classification: Benign. Review status: criteria provided, single submitter. Criteria: ACMG Guidelines, 2015. Collection method: not provided. Allele origin: germline. Inheritance: Unknown mechanism. Affected: yes.

PreventionGenetics, part of Exact Sciences
Classification: Benign for FGFRL1-related condition. Last evaluated: 2019-10-21. Review status: no assertion criteria provided. Collection method: clinical testing. Allele origin: germline. Not counted in ClinVar's aggregate classification.
Comment: This variant is classified as benign based on ACMG/AMP sequence variant interpretation guidelines (Richards et al. 2015 PMID: 25741868, with internal and published modifications).

NM_001004356.3(FGFRL1):c.60G>A (p.Pro20=)

Gene: FGFRL1 (fibroblast growth factor receptor like 1; plus strand). Cytogenetic location: 4p16.3.
Variant type: single nucleotide variant.
Coding change: c.60G>A on transcript NM_001004356.3 (MANE Select); coding-DNA position 60, G replaced by A.
Protein change: p.Pro20=; no amino-acid change (proline 20 retained).
Molecular consequence: synonymous variant.
Genome position (GRCh38, 1-based): chr4:1,012,545, G>A. VCF-style: chr4-1012545-G-A. GRCh37 (hg19) VCF-style: chr4-1006333-G-A.
Other names: c.60G>A, p.Pro20= (NM_001004358.1, NM_001370296.1, NM_021923.3); c.60G>A (NM_001004356.2).
Identifiers: ClinVar variation 1169548 (VCV001169548.10), dbSNP rs4647942, ClinGen allele CA2802536.
Genomic context (GRCh38, chr4:1,012,545, plus strand): 5'-GATGACGCCGAGCCCCCTGTTGCTGCTCCTGCTGCCGCCGCTGCTGCTGGGGGCCTTCCC[G>A]CCGGCCGCCGCCGCCCGAGGTGAGTTCTGGCGCCCAGCCCGGCCAGCCTGGCCTCCGCCA-3'
Protein context (NP_001004356.1, residues 10-30): LLPPLLLGAF[Pro20=]PAAAARGPPK